The following is an entry in ClinVar:

NM_001148.6(ANK2):c.5566C>T (p.Pro1856Ser)

Genes: ANK2 (ankyrin 2; plus strand), LOC126807136 (MED14-independent group 3 enhancer GRCh37_chr4:114274931-114276130; plus strand). Cytogenetic location: 4q26.
Variant type: single nucleotide variant.
Coding change: c.5566C>T on transcript NM_001148.6 (MANE Select); coding-DNA position 5566, C replaced by T.
Protein change: p.Pro1856Ser; replaces proline 1856 with serine.
Molecular consequence: missense variant. On other transcripts: intron variant (68).
Genome position (GRCh38, 1-based): chr4:113,354,184, C>T. VCF-style: chr4-113354184-C-T. GRCh37 (hg19) VCF-style: chr4-114275340-C-T.
Other names: c.5332C>T, p.Pro1778Ser (NM_001386142.1); c.1966C>T, p.Pro656Ser (NM_001386166.1); c.5707C>T, p.Pro1903Ser (NM_001386174.1); c.5683C>T, p.Pro1895Ser (NM_001386175.1); c.4411+3935C>T (NM_001386186.2, NM_001386148.2); c.4213+3935C>T (NM_001354269.3); c.4291+3935C>T (NM_001386187.2); c.4252+3935C>T (NM_001386147.1); and 35 more; short protein forms P1778S, P1856S, P1895S, P1903S, P656S.
Identifiers: ClinVar variation 1806567 (VCV001806567.2), dbSNP rs2505387846, ClinGen allele CA357920229.
Genomic context (GRCh38, chr4:113,354,184, plus strand): 5'-TCCGCAAAAACTGAAAGGCACCCTCCAGTATCACCATCAAGTAAAACTGAGAAACACTCA[C>T]CTGTGTCACCCTCTGCAAAAACGGAAAGACATTCACCTGCGTCATCATCGAGTAAAACTG-3'
Protein context (NP_001139.3, residues 1846-1866): SPSSKTEKHS[Pro1856Ser]VSPSAKTERH

ClinVar aggregate classification (germline): Uncertain significance (1 of 4 stars; one submission).

Submission:

GeneDx
Classification: Uncertain significance. Last evaluated: 2025-11-26. Review status: criteria provided, single submitter. Criteria: GeneDx Variant Classification Process June 2021. Collection method: clinical testing. Allele origin: germline. Affected: yes.
Comment: Not observed at significant frequency in large population cohorts (gnomAD); In silico analysis supports that this missense variant does not alter protein structure/function; Has not been previously published as pathogenic or benign to our knowledge